The following is an entry in ClinVar:

NM_000350.3(ABCA4):c.1293G>A (p.Trp431Ter)

Gene: ABCA4 (ATP binding cassette subfamily A member 4; minus strand). Cytogenetic location: 1p22.1.
Variant type: single nucleotide variant.
Coding change: c.1293G>A on transcript NM_000350.3 (MANE Select); coding-DNA position 1293, G replaced by A.
Protein change: p.Trp431Ter; replaces tryptophan 431 with a stop codon.
Molecular consequence: nonsense.
Genome position (GRCh38, 1-based): chr1:94,078,653, C>T on the plus strand (G>A on the coding strand, the complement: ABCA4 is on the minus strand). VCF-style: chr1-94078653-C-T. GRCh37 (hg19) VCF-style: chr1-94544209-C-T.
Other names: c.1293G>A, p.Trp431Ter (NM_001425324.1); short protein forms W431*.
Identifiers: ClinVar variation 236080 (VCV000236080.54), dbSNP rs886044725, ClinGen allele CA10602450.
Genomic context (GRCh38, chr1:94,078,653, plus strand): 5'-GATCATGTTCATCTGTGTGCTGTTGTCAAAGAAGTACCAGATCTGGGGCCCTACTTCTTC[C>T]CAGGCTTTGACCAACTTCCTAACGTGTTCCAGTTCTTCAAAAGTTGAGTTGGCCTAAAAC-3'

ClinVar aggregate classification (germline): Pathogenic. Review status: criteria provided, multiple submitters, no conflicts (2 of 4 stars). 7 submissions from 6 submitters: Pathogenic (7). Last evaluated 2025-11-08.

Conditions:
ABCA4-related disorder. Also called: ABCA4-related disorders; ABCA4-related condition. Identifiers: MedGen CN239167.
Retinal dystrophy. Also called: Inherited retinal dystrophy. Identifiers: Orphanet 71862, MedGen C0854723, MeSH D058499, MONDO:0019118, HP:0000556.
Age related macular degeneration 2. Also called: MACULAR DEGENERATION, SENILE; MACULOPATHY, AGE-RELATED, 2; MACULOPATHY, AGE-RELATED. Identifiers: MedGen C3495438, MONDO:0007932, OMIM 153800.
Severe early-childhood-onset retinal dystrophy (STGD1). Also called: MACULAR DYSTROPHY WITH FLECKS, TYPE 1; Stargardt macular dystrophy; Juvenile onset macular degeneration; Stargardt disease 1; STGD. Identifiers: Orphanet 364055, Orphanet 827, MedGen C1855465, MeSH D000080362, MONDO:0009549, OMIM 248200.

Allele frequency attached by ClinVar (database versions not stated): TOPMed below 0.00001; gnomAD 0.00001.
gnomAD v4.1: 1 of 1,599,740 alleles (0.000063%); highest among the groups gnomAD compares: Non-Finnish European, 0.000085%; no homozygotes.

Submissions (7):

Labcorp Genetics (formerly Invitae), Labcorp
Classification: Pathogenic. Last evaluated: 2025-11-08. Review status: criteria provided, single submitter. Criteria: Invitae Variant Classification Sherloc (09022015). Collection method: clinical testing. Allele origin: germline.
Comment: This sequence change creates a premature translational stop signal (p.Trp431*) in the ABCA4 gene. It is expected to result in an absent or disrupted protein product. Loss-of-function variants in ABCA4 are known to be pathogenic (PMID: 10958761, 24938718, 25312043, 26780318). This variant is not present in population databases (gnomAD no frequency). This premature translational stop signal has been observed in individual(s) with Stargardt disease (PMID: 25346251). It has also been observed to segregate with disease in related individuals. ClinVar contains an entry for this variant (Variation ID: 236080). For these reasons, this variant has been classified as Pathogenic.

Blueprint Genetics
Classification: Pathogenic for ABCA4-related disorders. Last evaluated: 2024-10-03. Review status: criteria provided, single submitter. Criteria: ACMG Guidelines, 2015. Collection method: clinical testing. Allele origin: germline. Affected: yes. Observed: 3 variant alleles.

GeneDx
Classification: Pathogenic. Last evaluated: 2023-01-26. Review status: criteria provided, single submitter. Criteria: GeneDx Variant Classification Process June 2021. Collection method: clinical testing. Allele origin: germline. Affected: yes.
Comment: Nonsense variant predicted to result in protein truncation or nonsense mediated decay in a gene for which loss of function is a known mechanism of disease; Not observed at significant frequency in large population cohorts (gnomAD); This variant is associated with the following publications: (PMID: 32531858, 28118664, 25346251, 35162940)

Institute of Human Genetics, Univ. Regensburg, Univ. Regensburg
Classification: Pathogenic for Retinal dystrophy. Last evaluated: 2019-01-01. Review status: criteria provided, single submitter. Criteria: ACMG Guidelines, 2015. Collection method: clinical testing. Allele origin: germline. Affected: yes.

Centre for Mendelian Genomics, University Medical Centre Ljubljana
Classification: Pathogenic for Age related macular degeneration 2. Last evaluated: 2018-11-15. Review status: criteria provided, single submitter. Criteria: ACMG Guidelines, 2015. Collection method: clinical testing. Allele origin: unknown. Affected: yes.
Comment: This variant was classified as: Pathogenic. The following ACMG criteria were applied in classifying this variant: PVS1,PM2,PP3,PP4.

CeGaT Center for Human Genetics Tuebingen
Classification: Pathogenic. Last evaluated: 2018-09-01. Review status: criteria provided, single submitter. Criteria: CeGaT Center For Human Genetics Tuebingen Variant Classification Criteria Version 2. Collection method: clinical testing. Allele origin: germline. Affected: yes. Observed: 1 variant allele.

Institute of Human Genetics, Univ. Regensburg, Univ. Regensburg
Classification: Pathogenic for Severe early-childhood-onset retinal dystrophy. Last evaluated: 2016-01-01. Review status: criteria provided, single submitter. Criteria: Schulz et al. (Invest Ophthalmol Vis Sci. 2017). Collection method: clinical testing. Allele origin: germline. Affected: yes. Observed: 1 heterozygote.

Literature cited by the submitters: PubMed 10958761 (cited by Labcorp Genetics (formerly Invitae), Labcorp); PubMed 24938718 (cited by Labcorp Genetics (formerly Invitae), Labcorp); PubMed 25312043 (cited by Labcorp Genetics (formerly Invitae), Labcorp); PubMed 26780318 (cited by Labcorp Genetics (formerly Invitae), Labcorp); PubMed 25346251 (cited by Labcorp Genetics (formerly Invitae), Labcorp and Institute of Human Genetics, Univ. Regensburg, Univ. Regensburg); PubMed 3253185 (cited by Institute of Human Genetics, Univ. Regensburg, Univ. Regensburg).